The following is an entry in ClinVar:

ClinVar aggregate classification (germline): Likely pathogenic (1 of 4 stars; one submission).

Conditions:
Junctional epidermolysis bullosa. Identifiers: Orphanet 305, MedGen C0079301, MONDO:0017612.

Submission:

Myriad Genetics, Inc.
Classification: Likely pathogenic for Junctional epidermolysis bullosa. Last evaluated: 2025-12-09. Review status: criteria provided, single submitter. Criteria: Myriad Autosomal Dominant, Autosomal Recessive and X-Linked Classification Criteria (2023). Collection method: clinical testing. Allele origin: unknown.
Comment: NM_000227.3(LAMA3):c.477-1G>C is a variant in a canonical splice site classified as likely pathogenic in the context of junctional epidermolysis bullosa, LAMA3-related. c.477-1G>C has not been observed in cases with relevant disease. Relevant functional assessments of this variant are not available in the literature. c.477-1G>C has not been observed in referenced population frequency databases. In summary, NM_000227.3(LAMA3):c.477-1G>C is a variant in a canonical splice site in a gene where loss of function is a known mechanism of disease and is predicted to disrupt protein function. Please note: this variant was assessed in the context of healthy population screening.

NM_198129.4(LAMA3):c.5304-1G>C

Gene: LAMA3 (laminin subunit alpha 3; plus strand). Cytogenetic location: 18q11.2.
Variant type: single nucleotide variant.
Coding change: c.5304-1G>C on transcript NM_198129.4 (MANE Select); the canonical splice acceptor site of the intron before coding-DNA position 5304, G replaced by C.
Molecular consequence: splice acceptor variant.
Genome position (GRCh38, 1-based): chr18:23,890,010, G>C. VCF-style: chr18-23890010-G-C. GRCh37 (hg19) VCF-style: chr18-21469974-G-C.
Other names: c.5304-1G>C (NM_001127717.4); c.477-1G>C (NM_000227.6, NM_001127718.4).
Identifiers: ClinVar variation 5004320 (VCV005004320.1).